The following is an entry in ClinVar:

ClinVar aggregate classification (germline): Pathogenic/Likely pathogenic. Review status: criteria provided, multiple submitters, no conflicts (2 of 4 stars). 6 submissions from 6 submitters: Pathogenic (5); Likely pathogenic (1). Last evaluated 2025-05-16.

Conditions:
Enhanced S-cone syndrome (ESCS). Identifiers: Orphanet 53540, MedGen C1849394, MONDO:0100288, MONDO:0009989.
NR2E3-related disorder. Also called: NR2E3-related condition; NR2E3-related disorders. Identifiers: MedGen CN239387.

Submissions (6):

Myriad Genetics, Inc.
Classification: Pathogenic for ENHANCED S-CONE SYNDROME 1. Last evaluated: 2025-05-16. Review status: criteria provided, single submitter. Criteria: Myriad Autosomal Dominant, Autosomal Recessive and X-Linked Classification Criteria (2023). Collection method: clinical testing. Allele origin: unknown.
Comment: NM_014249.2(NR2E3):c.808_809delCT(L270Afs*70) is a frameshift variant classified as pathogenic in the context of enhanced S-cone syndrome. L270Afs*70 has been observed in a case with relevant disease (PMID: 27033713). Relevant functional assessments of this variant are not available in the literature. L270Afs*70 has not been observed in referenced population frequency databases. In summary, NM_014249.2(NR2E3):c.808_809delCT(L270Afs*70) is a frameshift variant in a gene where loss of function is a known mechanism of disease, is predicted to disrupt protein function, and has been observed more frequently in cases with the relevant disease than in healthy populations. Please note: this variant was assessed in the context of healthy population screening.

Natera, Inc.
Classification: Pathogenic for Enhanced S cone syndrome. Last evaluated: 2025-01-23. Review status: criteria provided, single submitter. Criteria: Natera Variant Classification Schema (03/2026). Collection method: clinical testing. Allele origin: germline.
Comment: The c.808_809delCT variant in NR2E3 is a frameshift variant predicted to shift the reading frame beginning at codon 270 and leads to a stop codon 70 codons downstream. This variant is expected to result in nonsense mediated decay, truncation, or a dysfunctional protein product. This variant is rare in the general population with a frequency below the threshold expected for the associated phenotype(s). This variant has been observed in one or more individuals affected with the associated recessive disease, as either homozygous or compound heterozygous with a second variant (PMID: 27033713). Given the available evidence, this variant is classified as Pathogenic.

Labcorp Genetics (formerly Invitae), Labcorp
Classification: Pathogenic. Last evaluated: 2024-10-14. Review status: criteria provided, single submitter. Criteria: Invitae Variant Classification Sherloc (09022015). Collection method: clinical testing. Allele origin: germline.
Comment: This sequence change creates a premature translational stop signal (p.Leu270Alafs*70) in the NR2E3 gene. It is expected to result in an absent or disrupted protein product. Loss-of-function variants in NR2E3 are known to be pathogenic (PMID: 15459973, 27522502). This variant is not present in population databases (gnomAD no frequency). This premature translational stop signal has been observed in individual(s) with enhanced S-cone syndrome (PMID: 27033713). This variant is also known as Ser269del2tggTC. ClinVar contains an entry for this variant (Variation ID: 860177). For these reasons, this variant has been classified as Pathogenic.

Baylor Genetics
Classification: Pathogenic for ENHANCED S-CONE SYNDROME 1. Last evaluated: 2024-03-04. Review status: criteria provided, single submitter. Criteria: ACMG Guidelines, 2015. Collection method: clinical testing. Allele origin: unknown.

GeneDx
Classification: Likely pathogenic. Last evaluated: 2023-07-11. Review status: criteria provided, single submitter. Criteria: GeneDx Variant Classification Process June 2021. Collection method: clinical testing. Allele origin: germline. Affected: yes.
Comment: Frameshift variant predicted to result in protein truncation or nonsense mediated decay in a gene for which loss of function is a known mechanism of disease; Not observed at significant frequency in large population cohorts (gnomAD); Reported along with a second variant in the NR2E3 gene in a patient with enhanced S-cone syndrome in the published literature; however, segregation information was not provided (Collison FT et al., 2016); This variant is associated with the following publications: (PMID: 15459973, 27522502, 27033713)

Blueprint Genetics
Classification: Pathogenic for NR2E3-related disorders. Last evaluated: 2019-12-26. Review status: criteria provided, single submitter. Criteria: ACMG Guidelines, 2015. Collection method: clinical testing. Allele origin: germline. Affected: yes. Observed: 1 variant allele.

Literature cited by the submitters: PubMed 27033713 (cited by 3 submitters); PubMed 15459973 (cited by Labcorp Genetics (formerly Invitae), Labcorp); PubMed 27522502 (cited by Labcorp Genetics (formerly Invitae), Labcorp).

NM_014249.4(NR2E3):c.808_809del (p.Leu270fs)

Gene: NR2E3 (nuclear receptor subfamily 2 group E member 3; plus strand). Cytogenetic location: 15q23.
Variant type: Microsatellite.
Coding change: c.808_809del on transcript NM_014249.4 (MANE Select); coding-DNA positions 808 to 809, 2 bases deleted (CT; older notation c.808_809delCT).
Protein change: p.Leu270fs; shifts the reading frame from leucine 270.
Molecular consequence: frameshift variant.
Genome position (GRCh38, 1-based): chr15:71,813,449-71,813,450, CT deleted; deleting any 2 consecutive bases within chr15:71,813,446-71,813,450 gives the same sequence; the c. name uses the placement nearest the transcript's 3' end. VCF-style (leftmost placement, unchanged base first): chr15-71813445-GTC-G. GRCh37 (hg19) VCF-style: chr15-72105785-GTC-G.
Other names: c.808_809del, p.Leu270fs (NM_016346.4); c.808_809del (NM_014249.2); c.808_809delCT (NM_014249.3); short protein forms L270fs.
Identifiers: ClinVar variation 860177 (VCV000860177.14), dbSNP rs2054202316, ClinGen allele CA916083437.